The following is an entry in ClinVar:

NM_005998.5(CCT3):c.1277C>A (p.Ser426Tyr)

Gene: CCT3 (chaperonin containing TCP1 subunit 3; minus strand). Cytogenetic location: 1q22.
Variant type: single nucleotide variant.
Coding change: c.1277C>A on transcript NM_005998.5 (MANE Select); coding-DNA position 1277, C replaced by A.
Protein change: p.Ser426Tyr; replaces serine 426 with tyrosine.
Molecular consequence: missense variant. On other transcripts: non-coding transcript variant (2).
Genome position (GRCh38, 1-based): chr1:156,311,074, G>T on the plus strand (C>A on the coding strand, the complement: CCT3 is on the minus strand). VCF-style: chr1-156311074-G-T. GRCh37 (hg19) VCF-style: chr1-156280865-G-T.
Other names: c.1163C>A, p.Ser388Tyr (NM_001008800.3); short protein forms S388Y, S426Y.
Identifiers: ClinVar variation 4868320 (VCV004868320.1).

ClinVar aggregate classification (germline): Uncertain significance (1 of 4 stars; one submission).

gnomAD v4.1: 2 of 1,614,008 alleles (0.00012%); highest among the groups gnomAD compares: Non-Finnish European, 0.00017%; no homozygotes.

Submission:

Ambry Genetics
Classification: Uncertain significance. Last evaluated: 2026-04-16. Review status: criteria provided, single submitter. Criteria: Ambry Variant Classification Scheme 2023. Collection method: clinical testing. Allele origin: germline.
Comment: The c.1277C>A (p.S426Y) alteration is located in exon 12 (coding exon 12) of the CCT3 gene. This alteration results from a C to A substitution at nucleotide position 1277, causing the serine (S) at amino acid position 426 to be replaced by a tyrosine (Y). Based on data from gnomAD, the A allele has an overall frequency of <0.001% (1/251266) total alleles studied. The highest observed frequency was 0.001% (1/113574) of European (non-Finnish) alleles. Based on insufficient or conflicting evidence, the clinical significance of this alteration remains unclear.